The following is an entry in ClinVar:

ClinVar aggregate classification (germline): Benign. Review status: criteria provided, multiple submitters, no conflicts (2 of 4 stars). 2 submissions from 2 submitters: Benign (2). Last evaluated 2018-06-14.

Allele frequency attached by ClinVar (database versions not stated): gnomAD exomes 0.08800; TOPMed 0.10687; gnomAD 0.10995 and 0.11107; 1000 Genomes Project 0.12081; 1000 Genomes Project 30x 0.12149.
gnomAD v4.1: 78,950 of 854,436 alleles (9.2%); highest among the groups gnomAD compares: South Asian, 19%; 4,481 homozygotes.

Submissions (2):

GeneDx
Classification: Benign. Last evaluated: 2018-06-14. Review status: criteria provided, single submitter. Criteria: GeneDx Variant Classification (06012015). Collection method: clinical testing. Allele origin: germline. Affected: yes.
Comment: This variant is considered likely benign or benign based on one or more of the following criteria: it is a conservative change, it occurs at a poorly conserved position in the protein, it is predicted to be benign by multiple in silico algorithms, and/or has population frequency not consistent with disease.

Breakthrough Genomics
Classification: Benign. Review status: criteria provided, single submitter. Criteria: ACMG Guidelines, 2015. Collection method: not provided. Allele origin: germline. Inheritance: Autosomal recessive inheritance. Affected: yes.

NM_021100.5(NFS1):c.324+84A>T

Gene: NFS1 (NFS1 cysteine desulfurase; minus strand). Cytogenetic location: 20q11.22.
Variant type: single nucleotide variant.
Coding change: c.324+84A>T on transcript NM_021100.5 (MANE Select); 84 bases into the intron after coding-DNA position 324, A replaced by T.
Molecular consequence: intron variant.
Genome position (GRCh38, 1-based): chr20:35,697,600, T>A on the plus strand (A>T on the coding strand, the complement: NFS1 is on the minus strand). VCF-style: chr20-35697600-T-A. GRCh37 (hg19) VCF-style: chr20-34285522-T-A.
Other names: c.324+84A>T (NM_001198989.2).
Identifiers: ClinVar variation 676159 (VCV000676159.2), dbSNP rs73281027, ClinGen allele CA15970450.
Genomic context (GRCh38, chr20:35,697,600, plus strand): 5'-AACTCCAAGGCTGCTCTTTGAATCTCTTCCAGAAAGAATCCAAAACCATTTCTACCTCCA[T>A]GCACACCTACCAAGAAAGAAATGCCTCCCACAGGCCACTGCCCCTCTTTGACCTTAGAAC-3'